The following is an entry in ClinVar:

NM_005502.4(ABCA1):c.886T>A (p.Ser296Thr)

Gene: ABCA1 (ATP binding cassette subfamily A member 1; minus strand). Cytogenetic location: 9q31.1.
Variant type: single nucleotide variant.
Coding change: c.886T>A on transcript NM_005502.4 (MANE Select); coding-DNA position 886, T replaced by A.
Protein change: p.Ser296Thr; replaces serine 296 with threonine.
Molecular consequence: missense variant.
Genome position (GRCh38, 1-based): chr9:104,840,447, A>T on the plus strand (T>A on the coding strand, the complement: ABCA1 is on the minus strand). VCF-style: chr9-104840447-A-T. GRCh37 (hg19) VCF-style: chr9-107602728-A-T.
Other names: c.886T>A (NM_005502.3); short protein forms S296T.
Identifiers: ClinVar variation 2186667 (VCV002186667.6), dbSNP rs377673145, ClinGen allele CA5169171.

ClinVar aggregate classification (germline): Conflicting classifications of pathogenicity. Review status: criteria provided, conflicting classifications (1 of 4 stars). 3 submissions from 3 submitters: Uncertain significance (2); Benign (1). Last evaluated 2026-01-09.

Conditions:
Cardiovascular phenotype. Identifiers: MedGen CN230736.

Allele frequency attached by ClinVar (database versions not stated): TOPMed 0.00002; gnomAD exomes 0.00003; ExAC 0.00006; gnomAD 0.00009; 1000 Genomes Project 30x 0.00031; 1000 Genomes Project 0.00040.
gnomAD v4.1: 67 of 1,614,062 alleles (0.0042%); highest among the groups gnomAD compares: East Asian, 0.062%; 1 homozygote.

Submissions (3):

Labcorp Genetics (formerly Invitae), Labcorp
Classification: Benign. Last evaluated: 2026-01-09. Review status: criteria provided, single submitter. Criteria: Invitae Variant Classification Sherloc (09022015). Collection method: clinical testing. Allele origin: germline.

Ambry Genetics
Classification: Uncertain significance for Cardiovascular phenotype. Last evaluated: 2024-08-15. Review status: criteria provided, single submitter. Criteria: Ambry Variant Classification Scheme 2023. Collection method: clinical testing. Allele origin: germline.
Comment: The p.S296T variant (also known as c.886T>A), located in coding exon 8 of the ABCA1 gene, results from a T to A substitution at nucleotide position 886. The serine at codon 296 is replaced by threonine, an amino acid with similar properties. This amino acid position is well conserved in available vertebrate species. In addition, the in silico prediction for this alteration is inconclusive. Based on the available evidence, the clinical significance of this variant remains unclear.

Women's Health and Genetics/Laboratory Corporation of America, LabCorp
Classification: Uncertain significance. Last evaluated: 2023-08-01. Review status: criteria provided, single submitter. Criteria: LabCorp Variant Classification Summary - May 2015. Collection method: clinical testing. Allele origin: germline.